The following is an entry in ClinVar:

NM_003072.5(SMARCA4):c.4911+4A>G

Gene: SMARCA4 (SWI/SNF related BAF chromatin remodeling complex subunit ATPase 4; plus strand). Cytogenetic location: 19p13.2.
Variant type: single nucleotide variant.
Coding change: c.4911+4A>G on transcript NM_003072.5 (MANE Select); 4 bases into the intron after coding-DNA position 4911, A replaced by G.
Molecular consequence: intron variant.
Genome position (GRCh38, 1-based): chr19:11,060,191, A>G. VCF-style: chr19-11060191-A-G. GRCh37 (hg19) VCF-style: chr19-11170867-A-G.
Other names: c.4911+4A>G (NM_001128844.3); c.5007+4A>G (NM_001128849.3); c.4812+4A>G (NM_001128847.4, NM_001374457.1); c.4821+4A>G (NM_001128845.2); c.4818+4A>G (NM_001128846.2); c.4809+4A>G (NM_001128848.2).
Identifiers: ClinVar variation 955218 (VCV000955218.11), dbSNP rs371030397, ClinGen allele CA9204897.
Genomic context (GRCh38, chr19:11,060,191, plus strand): 5'-GGGTCCCGAGCCAAGCCGGTCGTGAGTGACGATGACAGTGAGGAGGAACAAGAGGAGGTG[A>G]GGCCGGGCCCCCGAGCAGGCAGAGCTGGCATGTGGCAGGAGGCATCCCGGGGCCCTGATG-3'

ClinVar aggregate classification (germline): Uncertain significance. Review status: criteria provided, multiple submitters, no conflicts (2 of 4 stars). 2 submissions from 2 submitters: Uncertain significance (2). Last evaluated 2025-11-11.

Conditions:
Hereditary cancer-predisposing syndrome. Also called: Hereditary neoplastic syndrome; Tumor predisposition; Neoplastic Syndromes, Hereditary; Hereditary Cancer Syndrome. Identifiers: Orphanet 140162, MedGen C0027672, MeSH D009386, MONDO:0015356.
Rhabdoid tumor predisposition syndrome 2 (RTPS2). Identifiers: Orphanet 231108, Orphanet 69077, MedGen C2750074, MONDO:0013224, OMIM 613325.

Allele frequency attached by ClinVar (database versions not stated): gnomAD exomes 0.00001; ExAC 0.00005; ESP Exome Variant Server 0.00009.

Submissions (2):

Labcorp Genetics (formerly Invitae), Labcorp
Classification: Uncertain significance for Rhabdoid tumor predisposition syndrome 2. Last evaluated: 2025-11-11. Review status: criteria provided, single submitter. Criteria: Invitae Variant Classification Sherloc (09022015). Collection method: clinical testing. Allele origin: germline.
Comment: This sequence change falls in intron 35 of the SMARCA4 gene. It does not directly change the encoded amino acid sequence of the SMARCA4 protein. It affects a nucleotide within the consensus splice site. The frequency data for this variant in the population databases is considered unreliable, as metrics indicate poor data quality at this position in the gnomAD database. This variant has not been reported in the literature in individuals affected with SMARCA4-related conditions. ClinVar contains an entry for this variant (Variation ID: 955218). Variants that disrupt the consensus splice site are a relatively common cause of aberrant splicing (PMID: 17576681, 9536098). Studies have shown that this variant is associated with inconclusive levels of altered splicing (internal data). In summary, the available evidence is currently insufficient to determine the role of this variant in disease. Therefore, it has been classified as a Variant of Uncertain Significance.

Ambry Genetics
Classification: Uncertain significance for Hereditary cancer-predisposing syndrome. Last evaluated: 2023-04-04. Review status: criteria provided, single submitter. Criteria: Ambry Variant Classification Scheme 2023. Collection method: clinical testing. Allele origin: germline.
Comment: The c.5007+4A>G intronic variant results from an A to G substitution 4 nucleotides after coding exon 34 in the SMARCA4 gene. This nucleotide position is well conserved in available vertebrate species. In silico splice site analysis predicts that this alteration may weaken the native splice donor site and may result in the creation or strengthening of a novel splice donor site. RNA studies have demonstrated that this alteration results in an incomplete splice defect; the clinical impact of this abnormal splicing is unknown at this time (Ambry internal data). This variant has been detected in multiple individuals with no reported features of Coffin-Siris syndrome (Ambry internal data). Based on the supporting evidence, the association of this alteration with rhabdoid tumor predisposition syndrome is unknown; however, the association of this alteration with Coffin-Siris syndrome is unlikely.

Literature cited by the submitters: PubMed 17576681 (cited by Labcorp Genetics (formerly Invitae), Labcorp); PubMed 9536098 (cited by Labcorp Genetics (formerly Invitae), Labcorp).